The following is an entry in ClinVar:

NM_005076.5(CNTN2):c.2111G>A (p.Arg704Gln)

Gene: CNTN2 (contactin 2; plus strand). Cytogenetic location: 1q32.1.
Variant type: single nucleotide variant.
Coding change: c.2111G>A on transcript NM_005076.5 (MANE Select); coding-DNA position 2111, G replaced by A.
Protein change: p.Arg704Gln; replaces arginine 704 with glutamine.
Molecular consequence: missense variant. On other transcripts: non-coding transcript variant (1).
Genome position (GRCh38, 1-based): chr1:205,067,236, G>A. VCF-style: chr1-205067236-G-A. GRCh37 (hg19) VCF-style: chr1-205036364-G-A.
Other names: c.2111G>A, p.Arg704Gln (NM_001346083.2); short protein forms R704Q.
Identifiers: ClinVar variation 1034153 (VCV001034153.9), dbSNP rs139732381, ClinGen allele CA1351580.
Genomic context (GRCh38, chr1:205,067,236, plus strand): 5'-GGGTCATAGCCAGCAACATTCTGGGCACTGGGGAGCCTAGTGGGCCCTCCAGCAAAATCC[G>A]GACCAGGGAAGCAGGTGAGAGTCCTGTGTGTCCCAAAAAGCTATCATCAGGGCAGAGACC-3'
Protein context (NP_005067.1, residues 694-714): GEPSGPSSKI[Arg704Gln]TREAAPSVAP

ClinVar aggregate classification (germline): Conflicting classifications of pathogenicity. Review status: criteria provided, conflicting classifications (1 of 4 stars). 2 submissions from 2 submitters: Uncertain significance (1); Likely benign (1). Last evaluated 2024-03-28.

Conditions:
Epilepsy, familial adult myoclonic, 5 (EPEO5). Also called: CORTICAL MYOCLONIC TREMOR WITH EPILEPSY, FAMILIAL, 5. Identifiers: Orphanet 86814, MedGen C3809374, MONDO:0014167, OMIM 615400.

Allele frequency attached by ClinVar (database versions not stated): gnomAD 0.00002 and 0.00003; TOPMed 0.00003; gnomAD exomes 0.00004 and 0.00006; ExAC 0.00008; ESP Exome Variant Server 0.00015.
gnomAD v4.1: 84 of 1,613,162 alleles (0.0052%); highest among the groups gnomAD compares: South Asian, 0.016%; no homozygotes.

Submissions (2):

Labcorp Genetics (formerly Invitae), Labcorp
Classification: Likely benign for Epilepsy, familial adult myoclonic, 5. Last evaluated: 2024-03-28. Review status: criteria provided, single submitter. Criteria: Invitae Variant Classification Sherloc (09022015). Collection method: clinical testing. Allele origin: germline.

Baylor Genetics
Classification: Uncertain significance for Epilepsy, familial adult myoclonic, 5. Last evaluated: 2018-01-25. Review status: criteria provided, single submitter. Criteria: ACMG Guidelines, 2015. Collection method: clinical testing. Allele origin: unknown. Affected: yes.
Comment: This variant was determined to be of uncertain significance according to ACMG Guidelines, 2015 [PMID:25741868].